The following is an entry in ClinVar:

NM_001349253.2(SCN11A):c.2183A>T (p.Asn728Ile)

Gene: SCN11A (sodium voltage-gated channel alpha subunit 11; minus strand). Cytogenetic location: 3p22.2.
Variant type: single nucleotide variant.
Coding change: c.2183A>T on transcript NM_001349253.2 (MANE Select); coding-DNA position 2183, A replaced by T.
Protein change: p.Asn728Ile; replaces asparagine 728 with isoleucine.
Molecular consequence: missense variant.
Genome position (GRCh38, 1-based): chr3:38,897,065, T>A on the plus strand (A>T on the coding strand, the complement: SCN11A is on the minus strand). VCF-style: chr3-38897065-T-A. GRCh37 (hg19) VCF-style: chr3-38938556-T-A.
Other names: c.2183A>T, p.Asn728Ile (NM_014139.3); short protein forms N728I.
Identifiers: ClinVar variation 1900862 (VCV001900862.6), dbSNP rs1420195323, ClinGen allele CA352158609.

ClinVar aggregate classification (germline): Uncertain significance. Review status: criteria provided, multiple submitters, no conflicts (2 of 4 stars). 2 submissions from 2 submitters: Uncertain significance (2). Last evaluated 2026-04-06.

Conditions:
Familial episodic pain syndrome with predominantly lower limb involvement. Also called: Episodic pain syndrome, familial, 3. Identifiers: Orphanet 391384, Orphanet 391392, MedGen C3809899, MONDO:0014247, OMIM 615552.
Hereditary sensory and autonomic neuropathy type 7. Also called: Neuropathy, hereditary sensory and autonomic, type VII; HSAN VII. Identifiers: Orphanet 391397, MedGen C3809882, MONDO:0014244, OMIM 615548.

gnomAD v4.1: 6 of 1,614,014 alleles (0.00037%); highest among the groups gnomAD compares: Non-Finnish European, 0.00051%; no homozygotes.

Submissions (2):

Women's Health and Genetics/Laboratory Corporation of America, LabCorp
Classification: Uncertain significance. Last evaluated: 2026-04-06. Review status: criteria provided, single submitter. Criteria: LabCorp Variant Classification Summary - May 2015. Collection method: clinical testing. Allele origin: germline.
Comment: Variant summary: SCN11A c.2183A>T (p.Asn728Ile) results in a non-conservative amino acid change in the encoded protein sequence. Algorithms developed to predict the effect of missense changes on protein structure and function are either unavailable or do not agree on the potential impact of this missense change. The variant was absent in 251172 control chromosomes. The available data on variant occurrences in the general population are insufficient to allow any conclusion about variant significance. To our knowledge, no occurrence of c.2183A>T in individuals affected with SCN11A-related conditions and no experimental evidence demonstrating its impact on protein function have been reported. ClinVar contains an entry for this variant (Variation ID: 1900862). Based on the evidence outlined above, the variant was classified as uncertain significance.

Labcorp Genetics (formerly Invitae), Labcorp
Classification: Uncertain significance for Familial episodic pain syndrome with predominantly lower limb involvement; Hereditary sensory and autonomic neuropathy type 7. Last evaluated: 2022-05-12. Review status: criteria provided, single submitter. Criteria: Invitae Variant Classification Sherloc (09022015). Collection method: clinical testing. Allele origin: germline.
Comment: In summary, the available evidence is currently insufficient to determine the role of this variant in disease. Therefore, it has been classified as a Variant of Uncertain Significance. Algorithms developed to predict the effect of missense changes on protein structure and function are either unavailable or do not agree on the potential impact of this missense change (SIFT: "Deleterious"; PolyPhen-2: "Possibly Damaging"; Align-GVGD: "Class C15"). This variant has not been reported in the literature in individuals affected with SCN11A-related conditions. This variant is not present in population databases (gnomAD no frequency). This sequence change replaces asparagine, which is neutral and polar, with isoleucine, which is neutral and non-polar, at codon 728 of the SCN11A protein (p.Asn728Ile).